The following is an entry in ClinVar:

ClinVar aggregate classification (germline): Uncertain significance (1 of 4 stars; one submission).

Allele frequency attached by ClinVar (database versions not stated): gnomAD exomes 0.00001 and 0.00006; TOPMed 0.00001; ExAC 0.00004.
gnomAD v4.1: 15 of 1,610,658 alleles (0.00093%); highest among the groups gnomAD compares: Admixed American, 0.025%; no homozygotes.

Submission:

GeneDx
Classification: Uncertain significance. Last evaluated: 2021-09-14. Review status: criteria provided, single submitter. Criteria: GeneDx Variant Classification Process June 2021. Collection method: clinical testing. Allele origin: germline. Affected: yes.
Comment: Has not been previously published as pathogenic or benign to our knowledge; In silico analysis, which includes protein predictors and evolutionary conservation, supports that this variant does not alter protein structure/function

NM_020639.3(RIPK4):c.2318G>T (p.Gly773Val)

Gene: RIPK4 (receptor interacting serine/threonine kinase 4; minus strand). Cytogenetic location: 21q22.3.
Variant type: single nucleotide variant.
Coding change: c.2318G>T on transcript NM_020639.3 (MANE Select); coding-DNA position 2318, G replaced by T.
Protein change: p.Gly773Val; replaces glycine 773 with valine.
Molecular consequence: missense variant.
Genome position (GRCh38, 1-based): chr21:41,740,875, C>A on the plus strand (G>T on the coding strand, the complement: RIPK4 is on the minus strand). VCF-style: chr21-41740875-C-A. GRCh37 (hg19) VCF-style: chr21-43161035-C-A.
Other names: short protein forms G773V.
Identifiers: ClinVar variation 1301199 (VCV001301199.2), dbSNP rs764183028, ClinGen allele CA10035073.